The following is an entry in ClinVar:

ClinVar aggregate classification (germline): Uncertain significance. Review status: criteria provided, multiple submitters, no conflicts (2 of 4 stars). 2 submissions from 2 submitters: Uncertain significance (2). Last evaluated 2025-02-28.

Conditions:
Inborn genetic diseases. Identifiers: MedGen C0950123, MeSH D030342.
Developmental delay with variable intellectual disability and dysmorphic facies. Identifiers: MedGen C5774242, MONDO:0859306, OMIM 620098.

Allele frequency attached by ClinVar (database versions not stated): TOPMed below 0.00001.
gnomAD v4.1: 2 of 1,606,716 alleles (0.00012%); highest among the groups gnomAD compares: East Asian, 0.0022%; no homozygotes.

Submissions (2):

Ambry Genetics
Classification: Uncertain significance for Inborn genetic diseases. Last evaluated: 2025-02-28. Review status: criteria provided, single submitter. Criteria: Ambry Variant Classification Scheme 2023. Collection method: clinical testing. Allele origin: germline.

Clinical Genomics Laboratory, Washington University in St. Louis
Classification: Uncertain significance for Developmental delay with variable intellectual disability and dysmorphic facies. Last evaluated: 2024-03-27. Review status: criteria provided, single submitter. Criteria: ACMG Guidelines, 2015. Collection method: clinical testing. Allele origin: germline.
Comment: The JARID2 c.1583C>T (p.Ser528Leu) variant, to our knowledge, has not been reported in the medical literature and is only observed on 1/242,060 alleles in the general population (gnomAD v.2.1.1), indicating it is not a common variant. Computational predictors are uncertain as to the impact of this variant on JARID2 function. Due to limited information, and based on ACMG/AMP guidelines for variant interpretation (Richards S et al., PMID: 25741868), the clinical significance of this variant is uncertain at this time.

NM_004973.4(JARID2):c.1583C>T (p.Ser528Leu)

Gene: JARID2 (jumonji and AT-rich interaction domain containing 2; plus strand). Cytogenetic location: 6p22.3.
Variant type: single nucleotide variant.
Coding change: c.1583C>T on transcript NM_004973.4 (MANE Select); coding-DNA position 1583, C replaced by T.
Protein change: p.Ser528Leu; replaces serine 528 with leucine.
Molecular consequence: missense variant.
Genome position (GRCh38, 1-based): chr6:15,496,808, C>T. VCF-style: chr6-15496808-C-T. GRCh37 (hg19) VCF-style: chr6-15497039-C-T.
Other names: c.1067C>T, p.Ser356Leu (NM_001267040.1); c.1583C>T (NM_004973.2); short protein forms S356L, S528L.
Identifiers: ClinVar variation 3236565 (VCV003236565.2), dbSNP rs1210803593, ClinGen allele CA362795764.